The following is an entry in ClinVar:

NM_020461.4(TUBGCP6):c.2234dup (p.Lys746fs)

Gene: TUBGCP6 (tubulin gamma complex component 6; minus strand). Cytogenetic location: 22q13.33.
Variant type: Duplication.
Coding change: c.2234dup on transcript NM_020461.4 (MANE Select); coding-DNA position 2234, one base duplicated (T; older notation c.2234dupT).
Protein change: p.Lys746fs; shifts the reading frame from lysine 746.
Molecular consequence: frameshift variant.
Genome position (GRCh38, 1-based): chr22:50,224,177, A duplicated on the plus strand (T on the coding strand, the reverse complement: TUBGCP6 is on the minus strand). VCF-style (leftmost placement, unchanged base first): chr22-50224176-C-CA. GRCh37 (hg19) VCF-style: chr22-50662605-C-CA.
Other names: short protein forms K746fs.
Identifiers: ClinVar variation 1455867 (VCV001455867.7), dbSNP rs2147184688, ClinGen allele CA2573158265.

ClinVar aggregate classification (germline): Pathogenic/Likely pathogenic. Review status: criteria provided, multiple submitters, no conflicts (2 of 4 stars). 2 submissions from 2 submitters: Pathogenic (1); Likely pathogenic (1). Last evaluated 2025-03-17.

Conditions:
Microcephaly and chorioretinopathy 1. Also called: Microcephaly and chorioretinopathy, autosomal recessive, 1. Identifiers: MedGen C3278481, MONDO:0009624, OMIM 251270.

Submissions (2):

Labcorp Genetics (formerly Invitae), Labcorp
Classification: Pathogenic. Last evaluated: 2025-03-17. Review status: criteria provided, single submitter. Criteria: Invitae Variant Classification Sherloc (09022015). Collection method: clinical testing. Allele origin: germline.
Comment: This sequence change creates a premature translational stop signal (p.Lys746Glufs*54) in the TUBGCP6 gene. It is expected to result in an absent or disrupted protein product. Loss-of-function variants in TUBGCP6 are known to be pathogenic (PMID: 25344692). This variant is not present in population databases (gnomAD no frequency). This variant has not been reported in the literature in individuals affected with TUBGCP6-related conditions. ClinVar contains an entry for this variant (Variation ID: 1455867). For these reasons, this variant has been classified as Pathogenic.

Department of Pathology and Laboratory Medicine, Sinai Health System
Classification: Likely pathogenic for Microcephaly and chorioretinopathy 1. Last evaluated: 2022-08-09. Review status: criteria provided, single submitter. Criteria: ACMG Guidelines, 2015. Collection method: research. Allele origin: germline.

Literature cited by the submitters: PubMed 25344692 (cited by Labcorp Genetics (formerly Invitae), Labcorp).